The following is an entry in ClinVar:

NC_000003.11:g.(?_48929393)_(48936227_?)del

Gene: SLC25A20 (solute carrier family 25 member 20; minus strand). Cytogenetic location: 3p21.31.
Variant type: Deletion.
Identifiers: ClinVar variation 3246863 (VCV003246863.1).

ClinVar aggregate classification (germline): Pathogenic (1 of 4 stars; one submission).

Conditions:
Carnitine acylcarnitine translocase deficiency (CACTD). Identifiers: Orphanet 159, MedGen C0342791, MONDO:0008918, OMIM 212138.

Submission:

Labcorp Genetics (formerly Invitae), Labcorp
Classification: Pathogenic for Carnitine acylcarnitine translocase deficiency. Last evaluated: 2023-09-15. Review status: criteria provided, single submitter. Criteria: Invitae Variant Classification Sherloc (09022015). Collection method: clinical testing. Allele origin: unknown.
Comment: This variant is a gross deletion of the genomic region encompassing exon(s) 1-2 of the SLC25A20 gene, which includes the initiator codon. This deletion extends beyond the assayed region for this gene and therefore may encompass additional genes. It is expected to result in an absent or disrupted protein product. Loss-of-function variants in SLC25A20 are known to be pathogenic (PMID: 25614308). This variant has not been reported in the literature in individuals affected with SLC25A20-related conditions. For these reasons, this variant has been classified as Pathogenic.

Literature cited by the submitters: PubMed 25614308.